The following is an entry in ClinVar:

ClinVar aggregate classification (germline): Uncertain significance (1 of 4 stars; one submission).

Conditions:
Familial thoracic aortic aneurysm and aortic dissection (TAAD). Also called: Thoracic aortic aneurysms and dissections. Identifiers: Orphanet 91387, MedGen C4707243, MONDO:0019625.

Submission:

Ambry Genetics
Classification: Uncertain significance for Familial thoracic aortic aneurysm and aortic dissection. Last evaluated: 2021-06-29. Review status: criteria provided, single submitter. Criteria: Ambry Variant Classification Scheme 2023. Collection method: clinical testing. Allele origin: germline.
Comment: The p.D1250E variant (also known as c.3750T>G), located in coding exon 30 of the FBN1 gene, results from a T to G substitution at nucleotide position 3750. The aspartic acid at codon 1250 is replaced by glutamic acid, an amino acid with highly similar properties, and is located in the cbEGF-like #16 domain. This amino acid position is highly conserved in available vertebrate species. In addition, the in silico prediction for this alteration is inconclusive. Since supporting evidence is limited at this time, the clinical significance of this alteration remains unclear.

NM_000138.5(FBN1):c.3750T>G (p.Asp1250Glu)

Gene: FBN1 (fibrillin 1; minus strand). Cytogenetic location: 15q21.1.
Variant type: single nucleotide variant.
Coding change: c.3750T>G on transcript NM_000138.5 (MANE Select); coding-DNA position 3750, T replaced by G.
Protein change: p.Asp1250Glu; replaces aspartic acid 1250 with glutamic acid.
Molecular consequence: missense variant.
Genome position (GRCh38, 1-based): chr15:48,483,906, A>C on the plus strand (T>G on the coding strand, the complement: FBN1 is on the minus strand). VCF-style: chr15-48483906-A-C. GRCh37 (hg19) VCF-style: chr15-48776103-A-C.
Other names: c.3750T>G, p.Asp1250Glu (NM_001406716.1); short protein forms D1250E.
Identifiers: ClinVar variation 1734565 (VCV001734565.2), dbSNP rs2505541053, ClinGen allele CA392324031.
Genomic context (GRCh38, chr15:48,483,906, plus strand): 5'-CATGAATCCATCATAACACAAGCACCTGTACTCTCCAGGGATATTTGTGCACTGACCACC[A>C]TCACAGATATTGGGATTATCTTCACACTCATCGATGTCTGCAAAGAATAAAACCAACAAC-3'
Protein context (NP_000129.3, residues 1240-1260): DECEDNPNIC[Asp1250Glu]GGQCTNIPGE